The following is an entry in ClinVar:

NM_004387.4(NKX2-5):c.223C>T (p.Arg75Cys)

Gene: NKX2-5 (NK2 homeobox 5; minus strand). Cytogenetic location: 5q35.1.
Variant type: single nucleotide variant.
Coding change: c.223C>T on transcript NM_004387.4 (MANE Select); coding-DNA position 223, C replaced by T.
Protein change: p.Arg75Cys; replaces arginine 75 with cysteine.
Molecular consequence: missense variant.
Genome position (GRCh38, 1-based): chr5:173,234,861, G>A on the plus strand (C>T on the coding strand, the complement: NKX2-5 is on the minus strand). VCF-style: chr5-173234861-G-A. GRCh37 (hg19) VCF-style: chr5-172661864-G-A.
Other names: c.223C>T, p.Arg75Cys (NM_001166175.2, NM_001166176.2); short protein forms R75C.
Identifiers: ClinVar variation 1304933 (VCV001304933.2), dbSNP rs1216673146, ClinGen allele CA362163449.
Genomic context (GRCh38, chr5:173,234,861, plus strand): 5'-GTGGATAGAAGGCGGGGGCGGCGGGAAAGGCAGACGCACACTTGGCCGGTGAAGGCGCGC[G>A]GCCCAGCTCTGCGCGCAGCTCTGGGAGGCCCGGCGCAGCCGCCTCGGGCCCAGCGTAGGC-3'
Protein context (NP_004378.1, residues 65-85): GLPELRAELG[Arg75Cys]APSPAKCASA

ClinVar aggregate classification (germline): Uncertain significance (1 of 4 stars; one submission).

Allele frequency attached by ClinVar (database versions not stated): gnomAD exomes below 0.00001.
gnomAD v4.1: 2 of 1,591,198 alleles (0.00013%); highest among the groups gnomAD compares: South Asian, 0.0011%; no homozygotes.

Submission:

GeneDx
Classification: Uncertain significance. Last evaluated: 2019-11-05. Review status: criteria provided, single submitter. Criteria: GeneDx Variant Classification Process June 2021. Collection method: clinical testing. Allele origin: germline. Affected: yes.
Comment: Has not been previously published as pathogenic or benign to our knowledge; Not observed in large population cohorts (Lek et al., 2016); In silico analysis, which includes protein predictors and evolutionary conservation, supports that this variant does not alter protein structure/function